The following is an entry in ClinVar:

NM_024513.4(FYCO1):c.3456G>A (p.Trp1152Ter)

Gene: FYCO1 (FYVE and coiled-coil domain autophagy adaptor 1; minus strand). Cytogenetic location: 3p21.31.
Variant type: single nucleotide variant.
Coding change: c.3456G>A on transcript NM_024513.4 (MANE Select); coding-DNA position 3456, G replaced by A.
Protein change: p.Trp1152Ter; replaces tryptophan 1152 with a stop codon.
Molecular consequence: nonsense. On other transcripts: non-coding transcript variant (1).
Genome position (GRCh38, 1-based): chr3:45,959,524, C>T on the plus strand (G>A on the coding strand, the complement: FYCO1 is on the minus strand). VCF-style: chr3-45959524-C-T. GRCh37 (hg19) VCF-style: chr3-46001016-C-T.
Other names: NR_170107.1:n.3671G>A; c.3456G>A, p.Trp1152Ter (NM_001386421.1, NM_001386422.1, NM_001386423.1 and 4 more transcripts); c.3336G>A, p.Trp1112Ter (NM_001386426.1); c.3312G>A, p.Trp1104Ter (NM_001386427.1); c.2856G>A, p.Trp952Ter (NM_001386430.1); short protein forms W1104*, W1112*, W1152*, W952*.
Identifiers: ClinVar variation 2500891 (VCV002500891.25), dbSNP rs774761672, ClinGen allele CA2352777.
Genomic context (GRCh38, chr3:45,959,524, plus strand): 5'-TCCGAGCCATCTCTCCTCAGCACTGAGCTTCTGCTGGAATTCCAGGGCATCTGACTTCTG[C>T]CAGAGAGCATCCTTGTCCCTGGGACAAAACCACATTGGAAGAAAAGGAGAGAGAATCCAT-3'

ClinVar aggregate classification (germline): Likely pathogenic. Review status: criteria provided, multiple submitters, no conflicts (2 of 4 stars). 2 submissions from 2 submitters: Likely pathogenic (2). Last evaluated 2023-05-02.

Conditions:
Cataract 18 (CATC2). Also called: CATARACT 18, AUTOSOMAL RECESSIVE. Identifiers: Orphanet 91492, Orphanet 98991, Orphanet 98992, Orphanet 98995, MedGen C1864908, MONDO:0012395, OMIM 610019.

Allele frequency attached by ClinVar (database versions not stated): gnomAD exomes below 0.00001; ExAC 0.00001.
gnomAD v4.1: 4 of 1,614,122 alleles (0.00025%); highest among the groups gnomAD compares: East Asian, 0.0067%; no homozygotes.

Submissions (2):

Broad Center for Mendelian Genomics, Broad Institute of MIT and Harvard
Classification: Likely pathogenic for Cataract 18. Last evaluated: 2023-05-02. Review status: criteria provided, single submitter. Criteria: ACMG Guidelines, 2015. Collection method: curation. Allele origin: germline. Inheritance: Autosomal recessive inheritance.
Comment: The p.Trp1152Ter variant in FYCO1 has not been previously reported in individuals with cataract 18 but has been identified in 0.003% (1/30614) of South Asian chromosomes by the Genome Aggregation Database (gnomAD; dbSNP ID: rs774761672). Although this variant has been seen in the general population in a heterozygous state, its frequency is low enough to be consistent with a recessive carrier frequency. This nonsense variant leads to a premature termination codon at position 1152, which is predicted to lead to a truncated or absent protein. Loss of function of the FYCO1 gene is an established disease mechanism in autosomal recessive cataract 18. In summary, although additional studies are required to fully establish its clinical significance, this variant is likely pathogenic for autosomal recessive cataract 18. ACMG/AMP Criteria applied: PVS1, PM2_Supporting (Richards 2015).

CeGaT Center for Human Genetics Tuebingen
Classification: Likely pathogenic. Last evaluated: 2023-01-01. Review status: criteria provided, single submitter. Criteria: CeGaT Center For Human Genetics Tuebingen Variant Classification Criteria Version 2. Collection method: clinical testing. Allele origin: germline. Affected: yes. Observed: 1 variant allele.
Comment: FYCO1: PVS1